The following is an entry in ClinVar:

NM_144670.6(A2ML1):c.787A>C (p.Asn263His)

Gene: A2ML1 (alpha-2-macroglobulin like 1; plus strand). Cytogenetic location: 12p13.31.
Variant type: single nucleotide variant.
Coding change: c.787A>C on transcript NM_144670.6 (MANE Select); coding-DNA position 787, A replaced by C.
Protein change: p.Asn263His; replaces asparagine 263 with histidine.
Molecular consequence: missense variant.
Genome position (GRCh38, 1-based): chr12:8,837,498, A>C. VCF-style: chr12-8837498-A-C. GRCh37 (hg19) VCF-style: chr12-8990094-A-C.
Other names: short protein forms N263H.
Identifiers: ClinVar variation 280274 (VCV000280274.2), dbSNP rs886041510, ClinGen allele CA10603178.

ClinVar aggregate classification (germline): Uncertain significance (1 of 4 stars; one submission).

Submission:

GeneDx
Classification: Uncertain significance. Last evaluated: 2016-02-11. Review status: criteria provided, single submitter. Criteria: GeneDx Variant Classification (06012015). Collection method: clinical testing. Allele origin: germline. Affected: yes.
Comment: The N263H variant in the A2ML1 gene has not been reported previously as a pathogenic variant, noras a benign variant, to our knowledge. The N263H variant was not observed in approximately 6500individuals of European and African American ancestry in the NHLBI Exome Sequencing Project,indicating it is not a common benign variant in these populations. The N263H variant is asemi-conservative amino acid substitution, which may impact secondary protein structure as theseresidues differ in some properties. This substitution occurs at a position that is not conserved acrossspecies. In silico analysis predicts this variant likely does not alter the protein structure/function. Weinterpret N263H as a variant of uncertain significance